The following is an entry in ClinVar:

ClinVar aggregate classification (germline): Likely benign. Review status: criteria provided, multiple submitters, no conflicts (2 of 4 stars). 3 submissions from 3 submitters: Likely benign (3). Last evaluated 2023-12-21.

Allele frequency attached by ClinVar (database versions not stated): gnomAD 0.00001; TOPMed 0.00001.
gnomAD v4.1: 11 of 1,542,818 alleles (0.00071%); highest among the groups gnomAD compares: Non-Finnish European, 0.00088%; no homozygotes.

Submissions (3):

Labcorp Genetics (formerly Invitae), Labcorp
Classification: Likely benign. Last evaluated: 2023-12-21. Review status: criteria provided, single submitter. Criteria: Invitae Variant Classification Sherloc (09022015). Collection method: clinical testing. Allele origin: germline.

Blueprint Genetics
Classification: Likely benign. Last evaluated: 2019-11-26. Review status: criteria provided, single submitter. Criteria: ACMG Guidelines, 2015. Collection method: clinical testing. Allele origin: germline.

Laboratory for Molecular Medicine, Mass General Brigham Personalized Medicine
Classification: Likely benign. Last evaluated: 2016-11-23. Review status: criteria provided, single submitter. Criteria: LMM Criteria. Collection method: clinical testing. Allele origin: germline. Observed: 1 variant allele.
Comment: c.6156-15C>T in intron 39 of LOXHD1: This variant is not expected to have clinic al significance because a C>T change at this position does not diverge from the splice consensus sequence and is therefore unlikely to impact splicing.

NM_001384474.1(LOXHD1):c.6342-15C>T

Gene: LOXHD1 (lipoxygenase homology PLAT domains 1; minus strand). Cytogenetic location: 18q21.1.
Variant type: single nucleotide variant.
Coding change: c.6342-15C>T on transcript NM_001384474.1 (MANE Select); 15 bases into the intron before coding-DNA position 6342, C replaced by T.
Molecular consequence: intron variant.
Genome position (GRCh38, 1-based): chr18:46,477,967, G>A on the plus strand (C>T on the coding strand, the complement: LOXHD1 is on the minus strand). VCF-style: chr18-46477967-G-A. GRCh37 (hg19) VCF-style: chr18-44057930-G-A.
Other names: c.6156-15C>T (NM_144612.7); c.1059-15C>T (NM_001145473.3, NM_001173129.2); c.3009-15C>T (NM_001145472.3); c.2721-15C>T (NM_001308013.2).
Identifiers: ClinVar variation 505406 (VCV000505406.8), dbSNP rs1354633431, ClinGen allele CA658799044.